The following is an entry in ClinVar:

NM_001061.7(TBXAS1):c.448G>A (p.Glu150Lys)

Gene: TBXAS1 (thromboxane A synthase 1; plus strand). Cytogenetic location: 7q34.
Variant type: single nucleotide variant.
Coding change: c.448G>A on transcript NM_001061.7 (MANE Select); coding-DNA position 448, G replaced by A.
Protein change: p.Glu150Lys; replaces glutamic acid 150 with lysine.
Molecular consequence: missense variant.
Genome position (GRCh38, 1-based): chr7:139,936,305, G>A. VCF-style: chr7-139936305-G-A. GRCh37 (hg19) VCF-style: chr7-139636104-G-A.
Other names: c.448G>A, p.Glu150Lys (NM_001130966.5, NM_001166253.4, NM_030984.6); c.247G>A, p.Glu83Lys (NM_001166254.4); c.391G>A, p.Glu131Lys (NM_001314028.4); c.265G>A, p.Glu89Lys (NM_001366537.3); short protein forms E151K, E89K, E131K, E150K, E83K.
Identifiers: ClinVar variation 1909589 (VCV001909589.3), dbSNP rs769738510, ClinGen allele CA4511638.

ClinVar aggregate classification (germline): Uncertain significance (1 of 4 stars; one submission).

Allele frequency attached by ClinVar (database versions not stated): ExAC 0.00002; gnomAD 0.00005; TOPMed 0.00005; gnomAD exomes 0.00007.
gnomAD v4.1: 104 of 1,613,880 alleles (0.0064%); highest among the groups gnomAD compares: Middle Eastern, 0.016%; no homozygotes.

Submission:

Labcorp Genetics (formerly Invitae), Labcorp
Classification: Uncertain significance. Last evaluated: 2022-04-25. Review status: criteria provided, single submitter. Criteria: Invitae Variant Classification Sherloc (09022015). Collection method: clinical testing. Allele origin: germline.
Comment: This sequence change replaces glutamic acid, which is acidic and polar, with lysine, which is basic and polar, at codon 151 of the TBXAS1 protein (p.Glu151Lys). This variant is present in population databases (rs769738510, gnomAD 0.006%). This variant has not been reported in the literature in individuals affected with TBXAS1-related conditions. Algorithms developed to predict the effect of missense changes on protein structure and function output the following: SIFT: "Deleterious"; PolyPhen-2: "Benign"; Align-GVGD: "Class C15". The lysine amino acid residue is found in multiple mammalian species, which suggests that this missense change does not adversely affect protein function. In summary, the available evidence is currently insufficient to determine the role of this variant in disease. Therefore, it has been classified as a Variant of Uncertain Significance.